The following is an entry in ClinVar:

NM_002878.4(RAD51D):c.233C>T (p.Ser78Phe)

Genes: RAD51D (RAD51 paralog D; minus strand), RAD51L3-RFFL (RAD51L3-RFFL readthrough; minus strand). Cytogenetic location: 17q12.
Variant type: single nucleotide variant.
Coding change: c.233C>T on transcript NM_002878.4 (MANE Select); coding-DNA position 233, C replaced by T.
Protein change: p.Ser78Phe; replaces serine 78 with phenylalanine.
Molecular consequence: missense variant. On other transcripts: intron variant (2).
Genome position (GRCh38, 1-based): chr17:35,118,531, G>A on the plus strand (C>T on the coding strand, the complement: RAD51D is on the minus strand). VCF-style: chr17-35118531-G-A. GRCh37 (hg19) VCF-style: chr17-33445550-G-A.
Other names: c.144+580C>T (NM_133629.3, NM_001142571.2); short protein forms S78F.
Identifiers: ClinVar variation 484766 (VCV000484766.18), dbSNP rs1555570255, ClinGen allele CA399091229.

ClinVar aggregate classification (germline): Uncertain significance. Review status: criteria provided, multiple submitters, no conflicts (2 of 4 stars). 6 submissions from 6 submitters: Uncertain significance (6). Last evaluated 2026-02-03.

Conditions:
Hereditary cancer-predisposing syndrome. Also called: Tumor predisposition; Hereditary Cancer Syndrome; Neoplastic Syndromes, Hereditary; Hereditary neoplastic syndrome. Identifiers: Orphanet 140162, MedGen C0027672, MeSH D009386, MONDO:0015356.
Breast-ovarian cancer, familial, susceptibility to, 4. Identifiers: Orphanet 145, MedGen C3280345, MONDO:0013669, OMIM 614291.

Allele frequency attached by ClinVar (database versions not stated): gnomAD exomes below 0.00001.
gnomAD v4.1: 7 of 1,614,110 alleles (0.00043%); highest among the groups gnomAD compares: East Asian, 0.0022%; no homozygotes.

Submissions (6):

Labcorp Genetics (formerly Invitae), Labcorp
Classification: Uncertain significance for Breast-ovarian cancer, familial, susceptibility to, 4. Last evaluated: 2026-02-03. Review status: criteria provided, single submitter. Criteria: Invitae Variant Classification Sherloc (09022015). Collection method: clinical testing. Allele origin: germline.
Comment: This sequence change replaces serine, which is neutral and polar, with phenylalanine, which is neutral and non-polar, at codon 78 of the RAD51D protein (p.Ser78Phe). This variant is not present in population databases (gnomAD no frequency). This variant has not been reported in the literature in individuals affected with RAD51D-related conditions. ClinVar contains an entry for this variant (Variation ID: 484766). Invitae Evidence Modeling of protein sequence and biophysical properties (such as structural, functional, and spatial information, amino acid conservation, physicochemical variation, residue mobility, and thermodynamic stability) has been performed for this missense variant. However, the output from this modeling did not meet the statistical confidence thresholds required to predict the impact of this variant on RAD51D protein function. In summary, the available evidence is currently insufficient to determine the role of this variant in disease. Therefore, it has been classified as a Variant of Uncertain Significance.

Ambry Genetics
Classification: Uncertain significance for Hereditary cancer-predisposing syndrome. Last evaluated: 2025-05-08. Review status: criteria provided, single submitter. Criteria: Ambry Variant Classification Scheme 2023. Collection method: clinical testing. Allele origin: germline.
Comment: The p.S78F variant (also known as c.233C>T), located in coding exon 3 of the RAD51D gene, results from a C to T substitution at nucleotide position 233. The serine at codon 78 is replaced by phenylalanine, an amino acid with highly dissimilar properties.This alteration was observed in 1/1060 controls, and was not observed in 911 individuals with breast or ovarian cancer in one case/control study (Loveday C et al. Nat Genet. 2011 Aug;43(9):879-882). This amino acid position is highly conserved in available vertebrate species. In addition, this alteration is predicted to be deleterious by in silico analysis. Since supporting evidence is limited at this time, the clinical significance of this alteration remains unclear.

Blueprint Genetics
Classification: Uncertain significance. Last evaluated: 2024-10-30. Review status: criteria provided, single submitter. Criteria: ACMG Guidelines, 2015. Collection method: clinical testing. Allele origin: germline.

Baylor Genetics
Classification: Uncertain significance for Breast-ovarian cancer, familial, susceptibility to, 4. Last evaluated: 2023-09-30. Review status: criteria provided, single submitter. Criteria: ACMG Guidelines, 2015. Collection method: clinical testing. Allele origin: unknown.

GeneDx
Classification: Uncertain significance. Last evaluated: 2022-05-19. Review status: criteria provided, single submitter. Criteria: GeneDx Variant Classification Process June 2021. Collection method: clinical testing. Allele origin: germline. Affected: yes.
Comment: Not observed in large population cohorts (gnomAD); In silico analysis supports that this missense variant has a deleterious effect on protein structure/function; Has not been previously published as pathogenic or benign to our knowledge; This variant is associated with the following publications: (PMID: 21111057, 14704354)

Color Diagnostics, LLC DBA Color Health
Classification: Uncertain significance for Hereditary cancer-predisposing syndrome. Last evaluated: 2019-02-17. Review status: criteria provided, single submitter. Criteria: ACMG Guidelines, 2015. Collection method: clinical testing. Allele origin: germline.

Literature cited by the submitters: PubMed 21822267 (cited by Ambry Genetics).